The following is an entry in ClinVar:

NM_001136191.3(KANK2):c.1756A>G (p.Ile586Val)

Gene: KANK2 (KN motif and ankyrin repeat domains 2; minus strand). Cytogenetic location: 19p13.2.
Variant type: single nucleotide variant.
Coding change: c.1756A>G on transcript NM_001136191.3 (MANE Select); coding-DNA position 1756, A replaced by G.
Protein change: p.Ile586Val; replaces isoleucine 586 with valine.
Molecular consequence: missense variant.
Genome position (GRCh38, 1-based): chr19:11,176,582, T>C on the plus strand (A>G on the coding strand, the complement: KANK2 is on the minus strand). VCF-style: chr19-11176582-T-C. GRCh37 (hg19) VCF-style: chr19-11287258-T-C.
Other names: c.1756A>G, p.Ile586Val (NM_001379560.1, NM_001379561.1, NM_001379562.1 and 7 more transcripts); c.1780A>G, p.Ile594Val (NM_015493.7, NM_001379548.1, NM_001379549.1 and 5 more transcripts); short protein forms I594V, I586V.
Identifiers: ClinVar variation 2716763 (VCV002716763.3), dbSNP rs780475622, ClinGen allele CA9205549.

ClinVar aggregate classification (germline): Uncertain significance (1 of 4 stars; one submission).

Allele frequency attached by ClinVar (database versions not stated): gnomAD 0.00001; gnomAD exomes 0.00002; TOPMed 0.00003; ExAC 0.00004.
gnomAD v4.1: 31 of 1,579,928 alleles (0.002%); highest among the groups gnomAD compares: Admixed American, 0.027%; no homozygotes.

Submission:

Labcorp Genetics (formerly Invitae), Labcorp
Classification: Uncertain significance. Last evaluated: 2023-09-12. Review status: criteria provided, single submitter. Criteria: Invitae Variant Classification Sherloc (09022015). Collection method: clinical testing. Allele origin: germline.
Comment: An algorithm developed to predict the effect of missense changes on protein structure and function (PolyPhen-2) suggests that this variant is likely to be tolerated. In summary, the available evidence is currently insufficient to determine the role of this variant in disease. Therefore, it has been classified as a Variant of Uncertain Significance. Algorithms developed to predict the effect of sequence changes on RNA splicing suggest that this variant may create or strengthen a splice site. This variant has not been reported in the literature in individuals affected with KANK2-related conditions. This variant is present in population databases (rs780475622, gnomAD 0.04%). This sequence change replaces isoleucine, which is neutral and non-polar, with valine, which is neutral and non-polar, at codon 586 of the KANK2 protein (p.Ile586Val).